The following is an entry in ClinVar:

NM_201384.3(PLEC):c.7976A>G (p.Gln2659Arg)

Gene: PLEC (plectin; minus strand). Cytogenetic location: 8q24.3.
Variant type: single nucleotide variant.
Coding change: c.7976A>G on transcript NM_201384.3 (MANE Select); coding-DNA position 7976, A replaced by G.
Protein change: p.Gln2659Arg; replaces glutamine 2659 with arginine.
Molecular consequence: missense variant.
Genome position (GRCh38, 1-based): chr8:143,921,845, T>C on the plus strand (A>G on the coding strand, the complement: PLEC is on the minus strand). VCF-style: chr8-143921845-T-C. GRCh37 (hg19) VCF-style: chr8-144996013-T-C.
Other names: c.8057A>G (NM_000445.4); c.7880A>G, p.Gln2627Arg (NM_201381.3); c.7976A>G, p.Gln2659Arg (NM_201382.4); c.7988A>G, p.Gln2663Arg (NM_201383.3); c.8057A>G, p.Gln2686Arg (NM_000445.5); c.4676A>G, p.Gln1559Arg (NM_001410941.1); c.7934A>G, p.Gln2645Arg (NM_201378.4); c.7910A>G, p.Gln2637Arg (NM_201379.3); and 1 more; short protein forms Q2659R, Q2663R, Q2686R, Q2796R, Q2627R, Q2645R, Q1559R, Q2637R.
Identifiers: ClinVar variation 2055492 (VCV002055492.8), dbSNP rs781927659, ClinGen allele CA4925464.

ClinVar aggregate classification (germline): Conflicting classifications of pathogenicity. Review status: criteria provided, conflicting classifications (1 of 4 stars). 3 submissions from 3 submitters: Uncertain significance (2); Likely benign (1). Last evaluated 2026-07-20.

Conditions:
PLEC-related disorder. Also called: PLEC-related condition; PLEC-related disorders.
Epidermolysis bullosa simplex, Ogna type (EBS5A). Also called: EPIDERMOLYSIS BULLOSA SIMPLEX 5A, OGNA TYPE; Pidermolysis bullosa simplex 5A, Ogna type. Identifiers: Orphanet 79401, MedGen C0432317, MONDO:0007555, OMIM 131950.
Epidermolysis bullosa simplex 5C, with pyloric atresia (EBS5C). Also called: PLEC1-Related Epidermolysis Bullosa with Pyloric Atresia; PLEC-Related Epidermolysis Bullosa with Pyloric Atresia; Epidermolysis bullosa simplex with pyloric atresia. Identifiers: Orphanet 158684, MedGen C2677349, MONDO:0012807, OMIM 612138.
Autosomal recessive limb-girdle muscular dystrophy type 2Q (LGMDR17). Also called: MUSCULAR DYSTROPHY, LIMB-GIRDLE, AUTOSOMAL RECESSIVE 17. Identifiers: Orphanet 254361, MedGen C3150989, MONDO:0013390, OMIM 613723.
Epidermolysis bullosa simplex 5B, with muscular dystrophy (EBS5B). Also called: EPIDERMOLYSIS BULLOSA SIMPLEX AND LIMB-GIRDLE MUSCULAR DYSTROPHY; Epidermolysis bullosa simplex with muscular dystrophy. Identifiers: Orphanet 257, MedGen C2931072, MONDO:0009181, OMIM 226670.
Epidermolysis bullosa simplex with nail dystrophy (EBS5D). Identifiers: MedGen C4225309, MONDO:0014661, OMIM 616487.

Allele frequency attached by ClinVar (database versions not stated): TOPMed 0.00001; gnomAD 0.00002; gnomAD exomes 0.00004; ExAC 0.00011.
gnomAD v4.1: 64 of 1,605,168 alleles (0.004%); highest among the groups gnomAD compares: South Asian, 0.064%; no homozygotes.

Submissions (3):

PreventionGenetics, part of Exact Sciences
Classification: Uncertain significance for PLEC-related condition. Last evaluated: 2026-07-20. Review status: criteria provided, single submitter. Criteria: ACMG Guidelines, 2015. Collection method: clinical testing. Allele origin: germline.
Comment: The PLEC c.8057A>G variant is predicted to result in the amino acid substitution p.Gln2686Arg. To our knowledge, this variant has not been reported in the literature. This variant is reported in 0.073% of alleles in individuals of South Asian descent in gnomAD, which may be too frequent to be a primary cause of disease. Although we suspect that this variant may be benign, at this time, the clinical significance of this variant is uncertain due to the absence of conclusive functional and genetic evidence.

Labcorp Genetics (formerly Invitae), Labcorp
Classification: Uncertain significance for Autosomal recessive limb-girdle muscular dystrophy type 2Q; Epidermolysis bullosa simplex, Ogna type; Epidermolysis bullosa simplex with nail dystrophy; Epidermolysis bullosa simplex 5C, with pyloric atresia; Epidermolysis bullosa simplex 5B, with muscular dystrophy. Last evaluated: 2025-02-24. Review status: criteria provided, single submitter. Criteria: Invitae Variant Classification Sherloc (09022015). Collection method: clinical testing. Allele origin: germline.
Comment: This sequence change replaces glutamine, which is neutral and polar, with arginine, which is basic and polar, at codon 2686 of the PLEC protein (p.Gln2686Arg). This variant is present in population databases (rs781927659, gnomAD 0.08%). This variant has not been reported in the literature in individuals affected with PLEC-related conditions. ClinVar contains an entry for this variant (Variation ID: 2055492). An algorithm developed to predict the effect of missense changes on protein structure and function outputs the following: PolyPhen-2: "Benign". The arginine amino acid residue is found in multiple mammalian species, which suggests that this missense change does not adversely affect protein function. In summary, the available evidence is currently insufficient to determine the role of this variant in disease. Therefore, it has been classified as a Variant of Uncertain Significance.

Revvity Omics, Revvity
Classification: Likely benign. Last evaluated: 2023-12-06. Review status: criteria provided, single submitter. Criteria: ACMG Guidelines, 2015. Collection method: clinical testing. Allele origin: germline.